The following continues an entry in ClinVar:

NM_000138.5(FBN1):c.7754T>C (p.Ile2585Thr)

Gene: FBN1. ClinVar aggregate classification (germline): Pathogenic/Likely pathogenic. Pathogenic (24); Likely pathogenic (3).

Submissions 8 to 18 of 32:

All of Us Research Program, National Institutes of Health
Classification: Pathogenic for Marfan syndrome. Last evaluated: 2023-11-16. Review status: criteria provided, single submitter. Criteria: ACMG Guidelines, 2015. Collection method: clinical testing. Allele origin: germline. Inheritance: Autosomal dominant inheritance. Observed: 3 variant alleles, 3 heterozygotes.
Comment: This missense variant replaces isoleucine with threonine at codon 2585 in the EGF-like calcium-binding domain of the FBN1 protein. Computational prediction is inconclusive regarding the impact of this variant on protein structure and function (internally defined REVEL score threshold 0.5 < inconclusive < 0.7, PMID: 27666373). To our knowledge, functional studies have not been reported for this variant. This variant has been reported in many individuals affected with Marfan syndrome (PMID: 19293843, 24161884, 24833718, 25907466, 26333736, 27146836, 31751304, 32679894) and in individuals affected with thoracic aortic aneurysm and aortic dissection (PMID: 28855619, 30675029, 30739908, 34498425), including two individuals where the variant was observed to be de novo (PMID: 29357934, 34498425). This variant has been shown to segregate with disease in three families (PMID: 27146836, 27724990, 31751304). In one family, six carriers across three generations showed remarkable variability in clinical features, ranging from isolated scoliosis, aneurysm of the abdominal aorta, thoracic aortic aneurysm and aortic dissection through Marfan syndrome (PMID: 27146836). This variant has been identified in 4/250918 chromosomes in the general population by the Genome Aggregation Database (gnomAD). Based on the available evidence, this variant is classified as Pathogenic.

This study involves interpretation of variants in research participants for the purpose of population health screening. Participant phenotype was not available at the time of variant classification. Additional details can be found in publication PMID: 35346344, PMCID: PMC8962531

Petrovsky National Research Centre of Surgery, The Federal Agency for Scientific Organizations
Classification: Pathogenic for Connective tissue dysplasia. Last evaluated: 2023-01-17. Review status: criteria provided, single submitter. Criteria: Muiño-Mosquera et al. (Circ Genom Precis Med. 2018). Collection method: clinical testing. Allele origin: germline. Affected: yes.
Comment: This variant has been reported in over 30 articles with variable phenotypes. Clinvar contains entry on this variant (Variation ID: 163462). This variant is in The Genome Aggregation Database (gnomAD) v2.1.1 with total MAF 0.00001594 (Date of access 17-01-2023). This variant has been reported in over several dozens of studies. In silico predictors are inconsistent in the results. In accordance with ACMG(2015) criteria and Proposal for a Disease- and Gene-Specific Guideline for the Interpretation of Sequenced Variants in the FBN1 Gene for Marfan Syndrome (PMID: 29875124), this variant is classified as Pathogenic with following criteria selected: PS4_Strong, PP5_Strong, PS5, PM2.

Clinical Genetics Laboratory, Skane University Hospital Lund
Classification: Pathogenic. Last evaluated: 2022-05-27. Review status: criteria provided, single submitter. Criteria: ACMG Guidelines, 2015. Collection method: clinical testing. Allele origin: germline. Affected: yes.

CHEO Genetics Diagnostic Laboratory, Children's Hospital of Eastern Ontario
Classification: Pathogenic for Familial thoracic aortic aneurysm and aortic dissection. Last evaluated: 2022-03-22. Review status: criteria provided, single submitter. Criteria: ACMG Guidelines, 2015. Collection method: clinical testing. Allele origin: germline.

Victorian Clinical Genetics Services, Murdoch Childrens Research Institute
Classification: Pathogenic for Marfan syndrome. Last evaluated: 2022-02-02. Review status: criteria provided, single submitter. Criteria: ACMG Guidelines, 2015. Collection method: clinical testing. Allele origin: germline. Inheritance: Autosomal dominant inheritance.
Comment: Based on the classification scheme VCGS_Germline_v1.3.4, this variant is classified as Pathogenic. Following criteria are met: 0103 - Dominant negative and loss of function are known mechanisms of disease in this gene and are associated with FBN1-related disease. Variants predicted to result in nonsense mediated decay cause loss of function effects, and are more commonly associated with severe Marfan syndrome (MIM#154700). Missense variants with both dominant negative and loss of function effects on protein function, are associated with Marfan syndrome and ectopia lentis (MIM#129600) (OMIM, PMID: 29357934). The exact genotype-phenotype correlation for this gene is still unclear, and is compounded by variable expressivity (PMID: 20301510). (I) 0107 - This gene is predominantly associated with autosomal dominant disease; autosomal recessive forms of Marfan syndrome have been reported infrequently (PMID: 27274304; 31950671). 0115 - Variants in this gene are known to have variable expressivity. The genotype-phenotype correlations for this gene are unclear, with single variants reported in patients with a range of phenotypes (PMID: 20301510, OMIM). (I) 0200 - Variant is predicted to result in a missense amino acid change from isoleucine to threonine. (I) 0251 - This variant is heterozygous. (I) 0302 - Variant is present in gnomAD (v2) <0.001 for a dominant condition (4 heterozygotes, 0 homozygotes). (SP) 0502 - Missense variant with conflicting in silico predictions and uninformative conservation. (I) 0600 - Variant is located in the annotated EGF-like domain (Uniprot). (I) 0801 - This variant has strong previous evidence of pathogenicity in unrelated individuals. This variant has been reported in multiple individuals with Marfan syndrome or other Marfan syndrome related phenotypes (ClinVar, VCGS, PMID: 11700157). (SP) 1208 - Inheritance information for this variant is not currently available in this individual. (I) Legend: (SP) - Supporting pathogenic, (I) - Information, (SB) - Supporting benign

CeGaT Center for Human Genetics Tuebingen
Classification: Pathogenic. Last evaluated: 2022-02-01. Review status: criteria provided, single submitter. Criteria: CeGaT Center For Human Genetics Tuebingen Variant Classification Criteria Version 2. Collection method: clinical testing. Allele origin: germline. Affected: yes. Observed: 1 variant allele.

GeneDx
Classification: Pathogenic. Last evaluated: 2021-12-22. Review status: criteria provided, single submitter. Criteria: GeneDx Variant Classification Process June 2021. Collection method: clinical testing. Allele origin: germline. Affected: yes.
Comment: Not observed at significant frequency in large population cohorts (gnomAD); In silico analysis supports that this missense variant has a deleterious effect on protein structure/function; Although located in a calcium-binding EGF-like domain of the FBN1 gene, it does not affect a cysteine residue within this domain; cysteine substitutions in the calcium-binding EGF-like domains represent the majority of pathogenic missense changes associated with FBN1-related disorders (Collod-Beroud et al., 2003); This variant is associated with the following publications: (PMID: 14695540, 17627385, 17657824, 27611364, 31098894, 31211626, 31751304, 32123317, 30739908, 32866347, 10464652, 21907952, 11933199, 24833718, 19293843, 24161884, 26333736, 27146836, 28855619, 27724990, 19159394, 29357934, 30675029, 25907466, 12938084, 12203992, 12203987, 31447099, 33483584, 32679894, 11700157)

ARUP Laboratories, Molecular Genetics and Genomics, ARUP Laboratories
Classification: Pathogenic. Last evaluated: 2021-11-17. Review status: criteria provided, single submitter. Criteria: ARUP Molecular Germline Variant Investigation Process 2021. Collection method: clinical testing. Allele origin: germline.
Comment: The FBN1 c.7754T>C; p.Ile2585Thr variant (rs727503054) is reported in the literature in multiple individuals affected with Marfan syndrome (MFS) or MFS-related phenotypes (Becerra-Munoz 2018, Biggin 2004, Collod-Beroud 2003, Comeglio 2007, Fang 2017, Haller 2015, Liu 1997-1998, Loeys 2001, Poninska 2016, Yang 2016). This variant is reported in ClinVar (Variation ID: 163462), and is only observed on four alleles in the Genome Aggregation Database, indicating it is not a common polymorphism. The isoleucine at codon 2585 is moderately conserved, and computational analyses are uncertain whether this variant is neutral or deleterious REVEL: 0.642). Based on available information, the p.Ile2585Thr variant is considered to be pathogenic. References: Becerra-Munoz VM et al. The importance of genotype-phenotype correlation in the clinical management of Marfan syndrome. Orphanet J Rare Dis. 2018 Jan 22;13(1):16. PubMed: 29357934. Biggin A et al. Detection of thirty novel FBN1 mutations in patients with Marfan syndrome or a related fibrillinopathy. Hum Mutat. 2004 Jan;23(1):99. PMID: 14695540. Collod-Beroud G et al. Update of the UMD-FBN1 mutation database and creation of an FBN1 polymorphism database. Hum Mutat. 2003 Sep;22(3):199-208. PMID: 12938084. Comeglio P et al. The importance of mutation detection in Marfan syndrome and Marfan-related disorders: report of 193 FBN1 mutations. Hum Mutat. 2007 Sep;28(9):928. PMID: 17657824. Fang M et al. Identification of Novel Clinically Relevant Variants in 70 Southern Chinese patients with Thoracic Aortic Aneurysm and Dissection by Next-generation Sequencing. Sci Rep. 2017 Aug 30;7(1):10035. PMID: 28855619. Haller G et al. Genetic Risk for Aortic Aneurysm in Adolescent Idiopathic Scoliosis. J Bone Joint Surg Am. 2015 Sep 2;97(17):1411-7. PMID: 26333736. Liu WO et al. Denaturing HPLC-identified novel FBN1 mutations, polymorphisms, and sequence variants in Marfan syndrome and related connective tissue disorders. Genet Test. 1997-1998;1(4):237-42. PMID: 10464652. Loeys B et al. Genotype and phenotype analysis of 171 patients referred for molecular study of the fibrillin-1 gene FBN1 because of suspected Marfan syndrome. Arch Intern Med. 2001 Nov 12;161(20):2447-54. PMID: 11700157 Poninska JK et al. Next-generation sequencing for diagnosis of thoracic aortic aneurysms and dissections: diagnostic yield, novel mutations and genotype phenotype correlations. J Transl Med. 2016 May 4;14(1):115. PMID: 27146836. Yang H et al. Genetic testing of 248 Chinese aortopathy patients using a panel assay. Sci Rep. 2016 Sep 9;6:33002. PMID: 27611364.

Mayo Clinic Laboratories, Mayo Clinic
Classification: Pathogenic. Last evaluated: 2021-09-23. Review status: criteria provided, single submitter. Criteria: ACMG Guidelines, 2015. Collection method: clinical testing. Allele origin: germline.
Comment: PP1_moderate, PP2, PP5, PM2_supporting, PM6, PS4

Centre of Medical Genetics, University of Antwerp
Classification: Pathogenic for Marfan syndrome. Last evaluated: 2021-03-01. Review status: criteria provided, single submitter. Criteria: Submitter's publication. Collection method: research. Allele origin: unknown. Affected: yes.
Comment: PS4, PS1, PP4

Molecular Diagnostic Laboratory for Inherited Cardiovascular Disease, Montreal Heart Institute
Classification: Pathogenic for Marfan syndrome. Last evaluated: 2019-04-02. Review status: criteria provided, single submitter. Criteria: ACMG Guidelines, 2015. Collection method: clinical testing. Allele origin: germline. Affected: yes.